The following is an entry in ClinVar:

ClinVar aggregate classification (germline): Pathogenic (1 of 4 stars; one submission).

Conditions:
Fabry disease. Also called: ALPHA-GALACTOSIDASE A DEFICIENCY; ANDERSON-FABRY DISEASE; CERAMIDE TRIHEXOSIDASE DEFICIENCY; GLA DEFICIENCY; HEREDITARY DYSTOPIC LIPIDOSIS; Angiokeratoma corporis diffusum. Identifiers: Orphanet 324, MedGen C0002986, MONDO:0010526, OMIM 301500, HP:0001071. Disease mechanism: Fabry disease is due to inactivating mutations in the X-linked GLA gene resulting in deficiency of the enzyme Alpha Galactosidase-A., loss of function.

Submission:

Genomenon, Inc
Classification: Pathogenic for Fabry disease. Last evaluated: 2026-09-08. Review status: criteria provided, single submitter. Criteria: Genomenon Sequence Variant Interpretation Standards - Updated. Collection method: curation. Allele origin: germline. Affected: yes.
Comment: GLA p.Trp262Leu (c.785G>T) is a missense variant that changes the amino acid at codon 262 from Tryptophan to Leucine. This variant has been observed in at least one proband with clinical features consistent with Fabry disease (PMID:26269958). The variant was found to segregate with disease in at least one affected family (PMID:26269958). At least one functional study has demonstrated a substantial alteration in protein function relative to the wild-type (PMID:27657681). This variant is located in a mutational hotspot and/or important functional domain. It is absent or not present at a significant frequency in gnomAD. In silico models predict that this variant is possibly or probably damaging. In conclusion, we classify GLA p.Trp262Leu (c.785G>T) as a pathogenic variant.

Literature cited by the submitters: PubMed 26269958; PubMed 27657681.

NM_000169.3(GLA):c.785G>T (p.Trp262Leu)

Genes: GLA (galactosidase alpha; minus strand), RPL36A-HNRNPH2 (RPL36A-HNRNPH2 readthrough; plus strand). Cytogenetic location: Xq22.1.
Variant type: single nucleotide variant.
Coding change: c.785G>T on transcript NM_000169.3 (MANE Select); coding-DNA position 785, G replaced by T.
Protein change: p.Trp262Leu; replaces tryptophan 262 with leucine.
Molecular consequence: missense variant. On other transcripts: non-coding transcript variant (3), intron variant (2).
Genome position (GRCh38, 1-based): chrX:101,398,801, C>A on the plus strand (G>T on the coding strand, the complement: GLA is on the minus strand). VCF-style: chrX-101398801-C-A. GRCh37 (hg19) VCF-style: chrX-100653789-C-A.
Other names: c.908G>T, p.Trp303Leu (NM_001406747.1); c.785G>T, p.Trp262Leu (NM_001406748.1); c.300+3344C>A (NM_001199973.2); c.177+6979C>A (NM_001199974.2); short protein forms W262L, W303L.
Identifiers: ClinVar variation 4087512 (VCV004087512.2), dbSNP rs869312402.